The following is an entry in ClinVar:

ClinVar aggregate classification (germline): Conflicting classifications of pathogenicity. Review status: criteria provided, conflicting classifications (1 of 4 stars). 3 submissions from 3 submitters: Uncertain significance (1); Likely benign (1). 1 of the submissions does not count toward it. Last evaluated 2025-10-01.

Conditions:
Hereditary cancer-predisposing syndrome. Also called: Hereditary neoplastic syndrome; Tumor predisposition; Hereditary Cancer Syndrome; Neoplastic Syndromes, Hereditary. Identifiers: Orphanet 140162, MedGen C0027672, MeSH D009386, MONDO:0015356.
Ataxia-telangiectasia syndrome (AT). Also called: Cerebello-oculocutaneous telangiectasia; Immunodeficiency with ataxia telangiectasia; Ataxia telangiectasia (A-T); Ataxia-telangiectasia, complementation group E; LOUIS-BAR SYNDROME; Ataxia-telangiectasia. Identifiers: Orphanet 100, MedGen C0004135, MONDO:0008840, OMIM 208900.

Submissions (3):

Ambry Genetics
Classification: Likely benign for Hereditary cancer-predisposing syndrome. Last evaluated: 2025-10-01. Review status: criteria provided, single submitter. Criteria: Ambry Variant Classification Scheme 2023. Collection method: clinical testing. Allele origin: germline.

Labcorp Genetics (formerly Invitae), Labcorp
Classification: Uncertain significance for Ataxia-telangiectasia syndrome. Last evaluated: 2024-10-09. Review status: criteria provided, single submitter. Criteria: Invitae Variant Classification Sherloc (09022015). Collection method: clinical testing. Allele origin: germline.
Comment: This sequence change replaces alanine, which is neutral and non-polar, with threonine, which is neutral and polar, at codon 1211 of the ATM protein (p.Ala1211Thr). This variant is not present in population databases (gnomAD no frequency). This variant has not been reported in the literature in individuals affected with ATM-related conditions. ClinVar contains an entry for this variant (Variation ID: 577754). Invitae Evidence Modeling of protein sequence and biophysical properties (such as structural, functional, and spatial information, amino acid conservation, physicochemical variation, residue mobility, and thermodynamic stability) indicates that this missense variant is not expected to disrupt ATM protein function with a negative predictive value of 95%. In summary, the available evidence is currently insufficient to determine the role of this variant in disease. Therefore, it has been classified as a Variant of Uncertain Significance.

Natera, Inc.
Classification: Uncertain significance for Ataxia-telangiectasia. Last evaluated: 2021-04-26. Review status: no assertion criteria provided. Collection method: clinical testing. Allele origin: germline. Not counted in ClinVar's aggregate classification.

Literature cited by the submitters: PubMed 40580951 (cited by Ambry Genetics).

NM_000051.4(ATM):c.3631G>A (p.Ala1211Thr)

Gene: ATM (ATM serine/threonine kinase; plus strand). Cytogenetic location: 11q22.3.
Variant type: single nucleotide variant.
Coding change: c.3631G>A on transcript NM_000051.4 (MANE Select); coding-DNA position 3631, G replaced by A.
Protein change: p.Ala1211Thr; replaces alanine 1211 with threonine.
Molecular consequence: missense variant.
Genome position (GRCh38, 1-based): chr11:108,282,764, G>A. VCF-style: chr11-108282764-G-A. GRCh37 (hg19) VCF-style: chr11-108153491-G-A.
Other names: c.3631G>A, p.Ala1211Thr (NM_001351834.2); short protein forms A1211T.
Identifiers: ClinVar variation 577754 (VCV000577754.15), dbSNP rs745467552, ClinGen allele CA382522878.